The following is an entry in ClinVar:

NM_000474.4(TWIST1):c.54_73del (p.Ser18fs)

Gene: TWIST1 (twist family bHLH transcription factor 1; minus strand). Cytogenetic location: 7p21.1.
Variant type: Deletion.
Coding change: c.54_73del on transcript NM_000474.4 (MANE Select); coding-DNA positions 54 to 73, 20 bases deleted (CAACAGCGAGGAAGAGCCAG).
Protein change: p.Ser18fs; shifts the reading frame from serine 18.
Molecular consequence: frameshift variant. On other transcripts: non-coding transcript variant (1).
Genome position (GRCh38, 1-based): chr7:19,117,249-19,117,268, CTGGCTCTTCCTCGCTGTTG deleted on the plus strand (CAACAGCGAGGAAGAGCCAG on the coding strand, the reverse complement: TWIST1 is on the minus strand); deleting any 20 consecutive bases within chr7:19,117,249-19,117,270 gives the same sequence; the c. name uses the placement nearest the transcript's 3' end. VCF-style (leftmost placement, unchanged base first): chr7-19117248-TCTGGCTCTTCCTCGCTGTTG-T. GRCh37 (hg19) VCF-style: chr7-19156871-TCTGGCTCTTCCTCGCTGTTG-T.
Other names: short protein forms S18fs.
Identifiers: ClinVar variation 1075081 (VCV001075081.9), dbSNP rs2115397248, ClinGen allele CA2499218844.
Genomic context (GRCh38, chr7:19,117,248, plus strand): 5'-CTGCGCCTGCTGCTGCGCCGCTTGCGTCCCCCGCGCTTGCCGCTCGGCGGCTGCTGCCGG[TCTGGCTCTTCCTCGCTGTTG>T]CTCAGGCTGTCGTCGGCCGGCGAGACTGGCGAGCTGGACACGTCCTGCATCATCTCTCGA-3'

ClinVar aggregate classification (germline): Pathogenic (1 of 4 stars; one submission).

Conditions:
Saethre-Chotzen syndrome (SCS). Also called: ACROCEPHALY, SKULL ASYMMETRY, AND MILD SYNDACTYLY; ACS III; CHOTZEN SYNDROME. Identifiers: Orphanet 794, MedGen C0175699, MONDO:0007042, OMIM 101400.
TWIST1-related craniosynostosis (CRS1). Also called: CRANIOSYNOSTOSIS 1. Identifiers: Orphanet 63440, MedGen C4551902, MONDO:0007399, OMIM 123100. Inheritance: Heterogenous inheritance pattern.

Submission:

Labcorp Genetics (formerly Invitae), Labcorp
Classification: Pathogenic for TWIST1-related craniosynostosis; Saethre-Chotzen syndrome. Last evaluated: 2016-10-04. Review status: criteria provided, single submitter. Criteria: Invitae Variant Classification Sherloc (09022015). Collection method: clinical testing. Allele origin: germline.
Comment: In particular, a similar frameshift variant (c.31_32del) has been reported in an individual affected with bicoronal craniosynostosis (PMID: 24127277). This 2 bp deletion results in a disruption of the last 191 amino acids of the TWIST1 protein and extends it by an additional 34 amino acids. For these reasons, this variant has been classified as Pathogenic. While this particular variant has not been reported in the literature, many missense, frameshift, and nonsense mutations downstream of this variant has been determined to be pathogenic (PMID: 9585583, 16251895, 24127277). This strongly suggests that this frameshift variant will disrupt residues critical for TWIST1 protein function. This sequence change deletes 20 nucleotides from exon 1 of the TWIST1 mRNA (c.54_73del), causing a frameshift at codon 18. This creates a premature translational stop signal in the last exon of the TWIST1 mRNA (p.Ser18Argfs*213). While this is not anticipated to result in nonsense mediated decay, it is expected to disrupt the last 185 amino acids of the TWIST1 protein and extend it by an additional 28 amino acids.

Literature cited by the submitters: PubMed 24127277; PubMed 9585583; PubMed 16251895.